The following is an entry in ClinVar:

NM_004304.5(ALK):c.989A>G (p.Lys330Arg)

Gene: ALK (ALK receptor tyrosine kinase; minus strand). Cytogenetic location: 2p23.2.
Variant type: single nucleotide variant.
Coding change: c.989A>G on transcript NM_004304.5 (MANE Select); coding-DNA position 989, A replaced by G.
Protein change: p.Lys330Arg; replaces lysine 330 with arginine.
Molecular consequence: missense variant.
Genome position (GRCh38, 1-based): chr2:29,532,080, T>C on the plus strand (A>G on the coding strand, the complement: ALK is on the minus strand). VCF-style: chr2-29532080-T-C. GRCh37 (hg19) VCF-style: chr2-29754946-T-C.
Other names: c.989A>G (NM_004304.4); short protein forms K330R.
Identifiers: ClinVar variation 1052901 (VCV001052901.13), dbSNP rs781677582, ClinGen allele CA1594784.

ClinVar aggregate classification (germline): Conflicting classifications of pathogenicity. Review status: criteria provided, conflicting classifications (1 of 4 stars). 5 submissions from 5 submitters: Uncertain significance (4); Likely benign (1). Last evaluated 2026-02-02.

Conditions:
Hereditary cancer-predisposing syndrome. Also called: Neoplastic Syndromes, Hereditary; Tumor predisposition; Hereditary Cancer Syndrome; Hereditary neoplastic syndrome. Identifiers: Orphanet 140162, MedGen C0027672, MeSH D009386, MONDO:0015356.
Neuroblastoma, susceptibility to, 3. Also called: ALK-Related Neuroblastic Tumor Susceptibility. Identifiers: Orphanet 635, MedGen C2751681, MONDO:0013083, OMIM 613014.

Allele frequency attached by ClinVar (database versions not stated): gnomAD exomes 0.00001; TOPMed 0.00001; ExAC 0.00001.
gnomAD v4.1: 12 of 1,613,836 alleles (0.00074%); highest among the groups gnomAD compares: Non-Finnish European, 0.001%; no homozygotes.

Submissions (5):

Dasa
Classification: Uncertain significance for Neuroblastoma, susceptibility to, 3. Last evaluated: 2026-02-02. Review status: criteria provided, single submitter. Criteria: DASA Assertion Criteria. Collection method: clinical testing. Allele origin: germline.
Comment: NM_004304.5(ALK):c.989A>G (p.Lys330Arg) is a missense variant that results in the substitution of lysine with arginine. This variant is rare in population databases. Computational prediction algorithms are consistent with a benign effect. The currently available literature and clinical evidence are not sufficient to establish a definitive association between this variant and the reported condition. Therefore, this variant is classified as a variant of uncertain significance.

Labcorp Genetics (formerly Invitae), Labcorp
Classification: Uncertain significance for Neuroblastoma, susceptibility to, 3. Last evaluated: 2026-01-19. Review status: criteria provided, single submitter. Criteria: Invitae Variant Classification Sherloc (09022015). Collection method: clinical testing. Allele origin: germline.
Comment: This sequence change replaces lysine, which is basic and polar, with arginine, which is basic and polar, at codon 330 of the ALK protein (p.Lys330Arg). This variant is present in population databases (rs781677582, gnomAD 0.003%). This variant has not been reported in the literature in individuals affected with ALK-related conditions. ClinVar contains an entry for this variant (Variation ID: 1052901). An algorithm developed to predict the effect of missense changes on protein structure and function outputs the following: PolyPhen-2: "Benign". The arginine amino acid residue is found in multiple mammalian species, which suggests that this missense change does not adversely affect protein function. In summary, the available evidence is currently insufficient to determine the role of this variant in disease. Therefore, it has been classified as a Variant of Uncertain Significance.

Ambry Genetics
Classification: Likely benign for Hereditary cancer-predisposing syndrome. Last evaluated: 2025-03-24. Review status: criteria provided, single submitter. Criteria: Ambry Variant Classification Scheme 2023. Collection method: clinical testing. Allele origin: germline.

Baylor Genetics
Classification: Uncertain significance for Neuroblastoma, susceptibility to, 3. Last evaluated: 2024-03-11. Review status: criteria provided, single submitter. Criteria: ACMG Guidelines, 2015. Collection method: clinical testing. Allele origin: unknown.

Fulgent Genetics
Classification: Uncertain significance for Neuroblastoma, susceptibility to, 3. Last evaluated: 2023-12-29. Review status: criteria provided, single submitter. Criteria: ACMG Guidelines, 2015. Collection method: clinical testing. Allele origin: germline.